The following is an entry in ClinVar:

ClinVar aggregate classification (germline): Uncertain significance (1 of 4 stars; one submission).

Conditions:
Carnitine palmitoyltransferase II deficiency. Also called: Carnitine Palmitoyltransferase 2 Deficiency. Identifiers: Orphanet 157, MedGen C0342790, MONDO:0015515.

Submission:

Labcorp Genetics (formerly Invitae), Labcorp
Classification: Uncertain significance for Carnitine palmitoyltransferase II deficiency. Last evaluated: 2020-11-10. Review status: criteria provided, single submitter. Criteria: Invitae Variant Classification Sherloc (09022015). Collection method: clinical testing. Allele origin: germline.
Comment: This variant, c.131_133delinsCCC, is a complex sequence change that results in the deletion of 2 and insertion of 2 amino acid(s) in the CPT2 protein (p.His44_Tyr45delinsProHis). The frequency data for this variant in the population databases is considered unreliable, as metrics indicate insufficient coverage at this position in the ExAC database. This variant has been observed in individual(s) with carnitine palmitoyltransferase II deficiency (Invitae). In at least one individual the data is consistent with the variant being in trans (on the opposite chromosome) from a pathogenic variant. Algorithms developed to predict the effect of missense changes on protein structure and function are either unavailable or do not agree on the potential impact of this missense change (SIFT: "Tolerated"; PolyPhen-2: "Probably Damaging"; Align-GVGD: "Class C0"). In summary, the available evidence is currently insufficient to determine the role of this variant in disease. Therefore, it has been classified as a Variant of Uncertain Significance.

NM_000098.3(CPT2):c.131_133delinsCCC (p.His44_Tyr45delinsProHis)

Genes: CPT2 (carnitine palmitoyltransferase 2; plus strand), LOC129930561 (ATAC-STARR-seq lymphoblastoid silent region 902; plus strand). Cytogenetic location: 1p32.3.
Variant type: Indel.
Coding change: c.131_133delinsCCC on transcript NM_000098.3 (MANE Select); coding-DNA positions 131 to 133, ACT replaced by CCC.
Protein change: p.His44_Tyr45delinsProHis.
Molecular consequence: missense variant.
Genome position (GRCh38, 1-based): chr1:53,197,074-53,197,076, ACT replaced by CCC. VCF-style: chr1-53197074-ACT-CCC. GRCh37 (hg19) VCF-style: chr1-53662746-ACT-CCC.
Other names: c.131_133delinsCCC, p.His44_Tyr45delinsProHis (NM_001330589.2).
Identifiers: ClinVar variation 3010208 (VCV003010208.3), dbSNP rs2525558479, ClinGen allele CA2740090739.